The following is an entry in ClinVar:

ClinVar aggregate classification (germline): Likely benign (1 of 4 stars; one submission).

Conditions:
RFX6-related disorder. Also called: RFX6-related condition.

gnomAD v4.1: 14 of 1,614,104 alleles (0.00087%); highest among the groups gnomAD compares: South Asian, 0.0033%; no homozygotes.

Submission:

PreventionGenetics, part of Exact Sciences
Classification: Likely benign for RFX6-related condition. Last evaluated: 2025-12-26. Review status: criteria provided, single submitter. Criteria: ACMG Guidelines, 2015. Collection method: clinical testing. Allele origin: germline.
Comment: This variant is classified as likely benign based on ACMG/AMP sequence variant interpretation guidelines (Richards et al. 2015 PMID: 25741868, with internal and published modifications).

NM_173560.4(RFX6):c.2124G>A (p.Arg708=)

Gene: RFX6 (regulatory factor X6; plus strand). Cytogenetic location: 6q22.1.
Variant type: single nucleotide variant.
Coding change: c.2124G>A on transcript NM_173560.4 (MANE Select); coding-DNA position 2124, G replaced by A.
Protein change: p.Arg708=; no amino-acid change (arginine 708 retained).
Molecular consequence: synonymous variant.
Genome position (GRCh38, 1-based): chr6:116,927,265, G>A. VCF-style: chr6-116927265-G-A. GRCh37 (hg19) VCF-style: chr6-117248428-G-A.
Identifiers: ClinVar variation 4994055 (VCV004994055.1).
Genomic context (GRCh38, chr6:116,927,265, plus strand): 5'-TCTCCCTCAAGCCAATCATGACTTTTATAGCACCAGCTCTAACTACCAGACTGTGTTTAG[G>A]GCACAGCCCCACTCCACATCAGGACTCTATCCTCATCACACCGAGCATGGTCGATGCATG-3'
Protein context (NP_775831.2, residues 698-718): STSSNYQTVF[Arg708=]AQPHSTSGLY